The following is an entry in ClinVar:

ClinVar aggregate classification (germline): Likely pathogenic. Review status: criteria provided, multiple submitters, no conflicts (2 of 4 stars). 2 submissions from 2 submitters: Likely pathogenic (2). Last evaluated 2023-09-27.

Conditions:
SDHD-related disorder. Also called: SDHD-related condition.
Hereditary cancer-predisposing syndrome. Also called: Tumor predisposition; Hereditary Cancer Syndrome; Neoplastic Syndromes, Hereditary; Hereditary neoplastic syndrome. Identifiers: Orphanet 140162, MedGen C0027672, MeSH D009386, MONDO:0015356.

Submissions (2):

Blueprint Genetics
Classification: Likely pathogenic for SDHD-related disorders. Last evaluated: 2023-09-27. Review status: criteria provided, single submitter. Criteria: ACMG Guidelines, 2015. Collection method: clinical testing. Allele origin: germline. Affected: yes. Observed: 2 variant alleles.

Ambry Genetics
Classification: Likely pathogenic for Hereditary cancer-predisposing syndrome. Last evaluated: 2017-05-02. Review status: criteria provided, single submitter. Criteria: Ambry Variant Classification Scheme 2023. Collection method: clinical testing. Allele origin: germline.
Comment: The p.R70M variant (also known as c.209G>T), located in coding exon 3 of the SDHD gene, results from a G to T substitution at nucleotide position 209. The arginine at codon 70 is replaced by methionine, an amino acid with similar properties. This alteration has been reported in the literature in multiple individuals diagnosed with paragangliomas (Burnichon N et al. J Clin Endocrinol Metab. 2009 Aug;94(8):2817-27; Haller F et al. Endocr. Relat. Cancer, 2014 Aug;21:567-77; Persu A et al. J. Hypertens., 2008 Jul;26:1395-401; van Nederveen FH et al. Lancet Oncol., 2009 Aug;10:764-71). This amino acid position is well conserved in available vertebrate species. In addition, this alteration is predicted to be deleterious by in silico analysis. Based on the majority of available evidence to date, this variant is likely to be pathogenic.

Literature cited by the submitters: PubMed 18551016 (cited by Ambry Genetics); PubMed 19576851 (cited by Ambry Genetics); PubMed 24859990 (cited by Ambry Genetics).

NM_003002.4(SDHD):c.209G>T (p.Arg70Met)

Gene: SDHD (succinate dehydrogenase complex subunit D; plus strand). Cytogenetic location: 11q23.1.
Variant type: single nucleotide variant.
Coding change: c.209G>T on transcript NM_003002.4 (MANE Select); coding-DNA position 209, G replaced by T.
Protein change: p.Arg70Met; replaces arginine 70 with methionine.
Molecular consequence: missense variant. On other transcripts: non-coding transcript variant (1), intron variant (1).
Genome position (GRCh38, 1-based): chr11:112,088,906, G>T. VCF-style: chr11-112088906-G-T. GRCh37 (hg19) VCF-style: chr11-111959630-G-T.
Other names: c.92G>T, p.Arg31Met (NM_001276504.2); c.209G>T, p.Arg70Met (NM_001276506.2); c.169+933G>T (NM_001276503.2); short protein forms R70M, R31M.
Identifiers: ClinVar variation 486436 (VCV000486436.6), dbSNP rs755047928, ClinGen allele CA382617235.